The following is an entry in ClinVar:

ClinVar aggregate classification (germline): Uncertain significance (1 of 4 stars; one submission).

Conditions:
Hereditary cancer-predisposing syndrome. Also called: Tumor predisposition; Hereditary Cancer Syndrome; Hereditary neoplastic syndrome; Neoplastic Syndromes, Hereditary. Identifiers: Orphanet 140162, MedGen C0027672, MeSH D009386, MONDO:0015356.

Submission:

Ambry Genetics
Classification: Uncertain significance for Hereditary cancer-predisposing syndrome. Last evaluated: 2025-10-30. Review status: criteria provided, single submitter. Criteria: Ambry Variant Classification Scheme 2023. Collection method: clinical testing. Allele origin: germline.
Comment: The p.V190L variant (also known as c.568G>C), located in coding exon 6 of the RB1 gene, results from a G to C substitution at nucleotide position 568. The valine at codon 190 is replaced by leucine, an amino acid with highly similar properties. This amino acid position is conserved. In addition, this alteration is predicted to be tolerated by in silico analysis. Based on the available evidence, the clinical significance of this variant remains unclear.

NM_000321.3(RB1):c.568G>C (p.Val190Leu)

Gene: RB1 (RB transcriptional corepressor 1; plus strand). Cytogenetic location: 13q14.2.
Variant type: single nucleotide variant.
Coding change: c.568G>C on transcript NM_000321.3 (MANE Select); coding-DNA position 568, G replaced by C.
Protein change: p.Val190Leu; replaces valine 190 with leucine.
Molecular consequence: missense variant.
Genome position (GRCh38, 1-based): chr13:48,348,984, G>C. VCF-style: chr13-48348984-G-C. GRCh37 (hg19) VCF-style: chr13-48923120-G-C.
Other names: c.568G>C, p.Val190Leu (NM_001407165.1, NM_001407166.1); short protein forms V190L.
Identifiers: ClinVar variation 4544133 (VCV004544133.1).